The following is an entry in ClinVar:

ClinVar aggregate classification (germline): Uncertain significance (1 of 4 stars; one submission).

Allele frequency attached by ClinVar (database versions not stated): gnomAD exomes below 0.00001 and 0.00001; gnomAD 0.00001.
gnomAD v4.1: 3 of 1,614,008 alleles (0.00019%); highest among the groups gnomAD compares: Non-Finnish European, 0.00025%; no homozygotes.

Submission:

Labcorp Genetics (formerly Invitae), Labcorp
Classification: Uncertain significance. Last evaluated: 2021-05-17. Review status: criteria provided, single submitter. Criteria: Invitae Variant Classification Sherloc (09022015). Collection method: clinical testing. Allele origin: germline.
Comment: In summary, the available evidence is currently insufficient to determine the role of this variant in disease. Therefore, it has been classified as a Variant of Uncertain Significance. Nucleotide substitutions within the consensus splice site are a relatively common cause of aberrant splicing (PMID: 17576681, 9536098). Experimental studies and prediction algorithms are not available or were not evaluated, and the effect of this variant on mRNA splicing is currently unknown. This variant has not been reported in the literature in individuals with IDH3B-related conditions. This variant is not present in population databases (ExAC no frequency). This sequence change falls in intron 11 of the IDH3B gene. It does not directly change the encoded amino acid sequence of the IDH3B protein. It affects a nucleotide within the consensus splice site of the intron.

Literature cited by the submitters: PubMed 17576681; PubMed 9536098.

NM_006899.5(IDH3B):c.1071+5G>A

Gene: IDH3B (isocitrate dehydrogenase (NAD(+)) 3 non-catalytic subunit beta; minus strand). Cytogenetic location: 20p13.
Variant type: single nucleotide variant.
Coding change: c.1071+5G>A on transcript NM_006899.5 (MANE Select); 5 bases into the intron after coding-DNA position 1071, G replaced by A.
Molecular consequence: intron variant.
Genome position (GRCh38, 1-based): chr20:2,659,520, C>T on the plus strand (G>A on the coding strand, the complement: IDH3B is on the minus strand). VCF-style: chr20-2659520-C-T. GRCh37 (hg19) VCF-style: chr20-2640166-C-T.
Other names: c.1071+5G>A (NM_174855.4, NM_001330763.2, NM_001258384.3).
Identifiers: ClinVar variation 1467105 (VCV001467105.4), dbSNP rs1381632044, ClinGen allele CA634327981.
Genomic context (GRCh38, chr20:2,659,520, plus strand): 5'-GTGCCGAGGTGCTGACACCAGAACTACTCTAAATCCTGAAGCCAGCACTACTCTTCTCAA[C>T]TCACCTTGCCAACTTTGATCACCTTCTTCACCGCATCTGCGATCATGCTGGAGTGATACT-3'